The following is an entry in ClinVar:

NM_001277115.2(DNAH11):c.1015C>G (p.Leu339Val)

Gene: DNAH11 (dynein axonemal heavy chain 11; plus strand). Cytogenetic location: 7p15.3.
Variant type: single nucleotide variant.
Coding change: c.1015C>G on transcript NM_001277115.2 (MANE Select); coding-DNA position 1015, C replaced by G.
Protein change: p.Leu339Val; replaces leucine 339 with valine.
Molecular consequence: missense variant.
Genome position (GRCh38, 1-based): chr7:21,564,218, C>G. VCF-style: chr7-21564218-C-G. GRCh37 (hg19) VCF-style: chr7-21603836-C-G.
Other names: short protein forms L339V.
Identifiers: ClinVar variation 4772695 (VCV004772695.1).

ClinVar aggregate classification (germline): Uncertain significance (1 of 4 stars; one submission).

Conditions:
Primary ciliary dyskinesia. Also called: Ciliary dyskinesia. Identifiers: Orphanet 244, MedGen C0008780, MONDO:0016575, HP:0012265.

Submission:

Labcorp Genetics (formerly Invitae), Labcorp
Classification: Uncertain significance for Primary ciliary dyskinesia. Last evaluated: 2025-08-20. Review status: criteria provided, single submitter. Criteria: Invitae Variant Classification Sherloc (09022015). Collection method: clinical testing. Allele origin: germline.
Comment: This sequence change replaces leucine, which is neutral and non-polar, with valine, which is neutral and non-polar, at codon 339 of the DNAH11 protein (p.Leu339Val). This variant is not present in population databases (gnomAD no frequency). This variant has not been reported in the literature in individuals affected with DNAH11-related conditions. Invitae Evidence Modeling of protein sequence and biophysical properties (such as structural, functional, and spatial information, amino acid conservation, physicochemical variation, residue mobility, and thermodynamic stability) indicates that this missense variant is not expected to disrupt DNAH11 protein function with a negative predictive value of 95%. In summary, the available evidence is currently insufficient to determine the role of this variant in disease. Therefore, it has been classified as a Variant of Uncertain Significance.